The following is an entry in ClinVar:

ClinVar aggregate classification (germline): Conflicting classifications of pathogenicity. Review status: criteria provided, conflicting classifications (1 of 4 stars). 10 submissions from 8 submitters: Uncertain significance (2); Benign (1); Likely benign (6). 1 of the submissions does not count toward it. Last evaluated 2026-01-28.

Conditions:
RPGRIP1L-related disorder. Also called: RPGRIP1L-related condition; RPGRIP1L-related disorders. Identifiers: MedGen CN239416.
Joubert syndrome. Also called: Familial aplasia of the vermis; JOUBERT-BOLTSHAUSER SYNDROME. Identifiers: Orphanet 475, MedGen C5979921, MONDO:0018772.
Meckel-Gruber syndrome. Also called: DYSENCEPHALIA SPLANCHNOCYSTICA; Dysencephalia splachnocystica; GRUBER SYNDROME. Identifiers: Orphanet 564, MedGen C0265215, MONDO:0018921.
Nephronophthisis 8. Identifiers: MedGen CN119610.
Meckel syndrome, type 5 (MKS5). Identifiers: Orphanet 564, MedGen C1969052, MONDO:0012695, OMIM 611561.
Joubert syndrome 7 (JBTS7). Identifiers: Orphanet 220497, MedGen C1969053, MONDO:0012694, OMIM 611560.

Allele frequency attached by ClinVar (database versions not stated): gnomAD exomes 0.00017 and 0.00043; ExAC 0.00057; gnomAD 0.00155 and 0.00157; TOPMed 0.00171; ESP Exome Variant Server 0.00215; 1000 Genomes Project 0.00260; 1000 Genomes Project 30x 0.00265.
gnomAD v4.1: 500 of 1,614,046 alleles (0.031%); highest among the groups gnomAD compares: African/African-American, 0.54%; 2 homozygotes.

Submissions (10):

Labcorp Genetics (formerly Invitae), Labcorp
Classification: Likely benign for Joubert syndrome; Meckel-Gruber syndrome. Last evaluated: 2026-01-28. Review status: criteria provided, single submitter. Criteria: Invitae Variant Classification Sherloc (09022015). Collection method: clinical testing. Allele origin: germline.

Blueprint Genetics
Classification: Likely benign. Last evaluated: 2024-11-25. Review status: criteria provided, single submitter. Criteria: ACMG Guidelines, 2015. Collection method: clinical testing. Allele origin: germline.

GeneDx
Classification: Likely benign. Last evaluated: 2020-09-21. Review status: criteria provided, single submitter. Criteria: GeneDx Variant Classification Process June 2021. Collection method: clinical testing. Allele origin: germline. Affected: yes.

Illumina Laboratory Services, Illumina
Classification: Likely benign for Nephronophthisis 8. Last evaluated: 2018-01-12. Review status: criteria provided, single submitter. Criteria: ICSL Variant Classification Criteria 13 December 2019. Collection method: clinical testing. Allele origin: germline.
Comment: This variant was observed in the ICSL laboratory as part of a predisposition screen in an ostensibly healthy population. It had not been previously curated by ICSL or reported in the Human Gene Mutation Database (HGMD: prior to June 1st, 2018), and was therefore a candidate for classification through an automated scoring system. Utilizing variant allele frequency, disease prevalence and penetrance estimates, and inheritance mode, an automated score was calculated to assess if this variant is too frequent to cause the disease. Based on the score and internal cut-off values, a variant classified as likely benign is not then subjected to further curation. The score for this variant resulted in a classification of likely benign for this disease.

Illumina Laboratory Services, Illumina
Classification: Uncertain significance for Meckel syndrome, type 5. Last evaluated: 2018-01-12. Review status: criteria provided, single submitter. Criteria: ICSL Variant Classification Criteria 13 December 2019. Collection method: clinical testing. Allele origin: germline.

Illumina Laboratory Services, Illumina
Classification: Likely benign for Joubert syndrome 7. Last evaluated: 2018-01-12. Review status: criteria provided, single submitter. Criteria: ICSL Variant Classification Criteria 13 December 2019. Collection method: clinical testing. Allele origin: germline.
Comment: the same text as in the submission from Illumina Laboratory Services, Illumina above.

Center for Pediatric Genomic Medicine, Children's Mercy Hospital and Clinics
Classification: Likely benign. Last evaluated: 2017-10-04. Review status: criteria provided, single submitter. Criteria: ACMG Guidelines, 2015. Collection method: clinical testing. Allele origin: germline.

CeGaT Center for Human Genetics Tuebingen
Classification: Uncertain significance. Last evaluated: 2016-10-01. Review status: criteria provided, single submitter. Criteria: CeGaT Center For Human Genetics Tuebingen Variant Classification Criteria Version 2. Collection method: clinical testing. Allele origin: germline. Affected: yes. Observed: 1 variant allele.

Eurofins Ntd Llc (ga)
Classification: Benign. Last evaluated: 2015-01-27. Review status: criteria provided, single submitter. Criteria: EGL Classification Definitions 2015. Collection method: clinical testing. Allele origin: germline.

PreventionGenetics, part of Exact Sciences
Classification: Likely benign for RPGRIP1L-related condition. Last evaluated: 2019-09-13. Review status: no assertion criteria provided. Collection method: clinical testing. Allele origin: germline. Not counted in ClinVar's aggregate classification.
Comment: This variant is classified as likely benign based on ACMG/AMP sequence variant interpretation guidelines (Richards et al. 2015 PMID: 25741868, with internal and published modifications).

NM_015272.5(RPGRIP1L):c.2643T>A (p.Asn881Lys)

Gene: RPGRIP1L (RPGRIP1 like; minus strand). Cytogenetic location: 16q12.2.
Variant type: single nucleotide variant.
Coding change: c.2643T>A on transcript NM_015272.5 (MANE Select); coding-DNA position 2643, T replaced by A.
Protein change: p.Asn881Lys; replaces asparagine 881 with lysine.
Molecular consequence: missense variant.
Genome position (GRCh38, 1-based): chr16:53,645,665, A>T on the plus strand (T>A on the coding strand, the complement: RPGRIP1L is on the minus strand). VCF-style: chr16-53645665-A-T. GRCh37 (hg19) VCF-style: chr16-53679577-A-T.
Other names: c.2643T>A, p.Asn881Lys (NM_001127897.4, NM_001308334.3, NM_001330538.2); c.2643T>A (NM_015272.4); short protein forms N881K.
Identifiers: ClinVar variation 194767 (VCV000194767.65), dbSNP rs139503476, ClinGen allele CA201346.